The following is an entry in ClinVar:

ClinVar aggregate classification (germline): Pathogenic. Review status: criteria provided, multiple submitters, no conflicts (2 of 4 stars). 2 submissions from 2 submitters: Pathogenic (2). Last evaluated 2023-07-19.

Conditions:
Lynch syndrome. Identifiers: Orphanet 144, MedGen C4552100, MONDO:0005835. Disease mechanism: loss of function.
Hereditary cancer-predisposing syndrome. Also called: Hereditary neoplastic syndrome; Hereditary Cancer Syndrome; Neoplastic Syndromes, Hereditary; Tumor predisposition. Identifiers: Orphanet 140162, MedGen C0027672, MeSH D009386, MONDO:0015356.

Submissions (2):

All of Us Research Program, National Institutes of Health
Classification: Pathogenic for Lynch syndrome. Last evaluated: 2023-07-19. Review status: criteria provided, single submitter. Criteria: ACMG Guidelines, 2015. Collection method: clinical testing. Allele origin: germline. Inheritance: Autosomal dominant inheritance. Observed: 1 variant allele, 1 heterozygote.
Comment: This variant inserts 1 nucleotide in exon 8 of the PMS2 gene, creating a frameshift and premature translation stop signal. This variant is expected to result in an absent or non-functional protein product. To our knowledge, this variant has not been reported in individuals affected with hereditary cancer in the literature. This variant has not been identified in the general population by the Genome Aggregation Database (gnomAD). Loss of PMS2 function is a known mechanism of disease. Based on the available evidence, this variant is classified as Pathogenic.

This study involves interpretation of variants in research participants for the purpose of population health screening. Participant phenotype was not available at the time of variant classification. Additional details can be found in publication PMID: 35346344, PMCID: PMC8962531

Color Diagnostics, LLC DBA Color Health
Classification: Pathogenic for Hereditary cancer-predisposing syndrome. Last evaluated: 2022-09-23. Review status: criteria provided, single submitter. Criteria: ACMG Guidelines, 2015. Collection method: clinical testing. Allele origin: germline.
Comment: This variant inserts 1 nucleotide in exon 8 of the PMS2 gene, creating a frameshift and premature translation stop signal. This variant is expected to result in an absent or non-functional protein product. To our knowledge, this variant has not been reported in individuals affected with hereditary cancer in the literature. This variant has not been identified in the general population by the Genome Aggregation Database (gnomAD). Loss of PMS2 function is a known mechanism of disease. Based on the available evidence, this variant is classified as Pathogenic.

NM_000535.7(PMS2):c.829dup (p.Thr277fs)

Gene: PMS2 (PMS1 homolog 2, mismatch repair system component; minus strand). Cytogenetic location: 7p22.1.
Variant type: Duplication.
Coding change: c.829dup on transcript NM_000535.7 (MANE Select); coding-DNA position 829, one base duplicated (A; older notation c.829dupA).
Protein change: p.Thr277fs; shifts the reading frame from threonine 277.
Molecular consequence: frameshift variant. On other transcripts: 5 prime UTR variant (2), non-coding transcript variant (1), intron variant (4).
Genome position (GRCh38, 1-based): chr7:5,995,608, T duplicated on the plus strand (A on the coding strand, the reverse complement: PMS2 is on the minus strand). VCF-style (leftmost placement, unchanged base first): chr7-5995607-G-GT. GRCh37 (hg19) VCF-style: chr7-6035238-G-GT.
Other names: c.424dup, p.Thr142Asnfs (NM_001018040.1); c.424dup, p.Thr142fs (NM_001322003.2, NM_001322004.2, NM_001322005.2 and 19 more transcripts); c.829dup, p.Thr277fs (NM_001322006.2, NM_001322014.2, NM_001406870.1 and 2 more transcripts); c.511dup, p.Thr171fs (NM_001322007.2, NM_001322008.2, NM_001406876.1 and 4 more transcripts); c.-105dup (NM_001322011.2, NM_001322012.2); c.256dup, p.Thr86fs (NM_001322013.2, NM_001406909.1); c.520dup, p.Thr174fs (NM_001322015.2, NM_001406875.1, NM_001406877.1 and 6 more transcripts); c.1015dup, p.Thr339fs (NM_001406866.1); and 9 more; short protein forms T165fs, T142fs, T241fs, T339fs, T86fs, T174fs, T221fs, T277fs.
Identifiers: ClinVar variation 2774140 (VCV002774140.3), dbSNP rs2536153921, ClinGen allele CA2697553828.